The following is an entry in ClinVar:

NM_001735.3(C5):c.5011A>G (p.Ile1671Val)

Genes: C5 (complement C5; minus strand), C5-OT1 (C5 3' UTR overlapping transcript 1; minus strand). Cytogenetic location: 9q33.2.
Variant type: single nucleotide variant.
Coding change: c.5011A>G on transcript NM_001735.3 (MANE Select); coding-DNA position 5011, A replaced by G.
Protein change: p.Ile1671Val; replaces isoleucine 1671 with valine.
Molecular consequence: missense variant. On other transcripts: non-coding transcript variant (1).
Genome position (GRCh38, 1-based): chr9:120,952,759, T>C on the plus strand (A>G on the coding strand, the complement: C5 is on the minus strand). VCF-style: chr9-120952759-T-C. GRCh37 (hg19) VCF-style: chr9-123715037-T-C.
Other names: c.5029A>G, p.Ile1677Val (NM_001317163.2); c.5011A>G (NM_001735.2); short protein forms I1677V, I1671V.
Identifiers: ClinVar variation 1444040 (VCV001444040.9), dbSNP rs374914766, ClinGen allele CA5216995.

ClinVar aggregate classification (germline): Uncertain significance. Review status: criteria provided, multiple submitters, no conflicts (2 of 4 stars). 3 submissions from 3 submitters: Uncertain significance (3). Last evaluated 2024-10-09.

Conditions:
Eculizumab, poor response to. Identifiers: MedGen C3810402, OMIM 615749.
Complement component 5 deficiency. Also called: C5 DEFICIENCY. Identifiers: MedGen C0343047, MONDO:0012295, OMIM 609536.

Allele frequency attached by ClinVar (database versions not stated): gnomAD exomes 0.00001 and 0.00002; ExAC 0.00004; gnomAD 0.00009 and 0.00010; TOPMed 0.00011; ESP Exome Variant Server 0.00015; 1000 Genomes Project 30x 0.00016; 1000 Genomes Project 0.00020.
gnomAD v4.1: 45 of 1,613,580 alleles (0.0028%); highest among the groups gnomAD compares: Admixed American, 0.022%; no homozygotes.

Submissions (3):

Ambry Genetics
Classification: Uncertain significance. Last evaluated: 2024-10-09. Review status: criteria provided, single submitter. Criteria: Ambry Variant Classification Scheme 2023. Collection method: clinical testing. Allele origin: germline.

Labcorp Genetics (formerly Invitae), Labcorp
Classification: Uncertain significance. Last evaluated: 2023-08-30. Review status: criteria provided, single submitter. Criteria: Invitae Variant Classification Sherloc (09022015). Collection method: clinical testing. Allele origin: germline.
Comment: This variant is present in population databases (rs374914766, gnomAD 0.008%). This sequence change replaces isoleucine, which is neutral and non-polar, with valine, which is neutral and non-polar, at codon 1671 of the C5 protein (p.Ile1671Val). This variant has not been reported in the literature in individuals affected with C5-related conditions. ClinVar contains an entry for this variant (Variation ID: 1444040). Advanced modeling of protein sequence and biophysical properties (such as structural, functional, and spatial information, amino acid conservation, physicochemical variation, residue mobility, and thermodynamic stability) has been performed at Invitae for this missense variant, however the output from this modeling did not meet the statistical confidence thresholds required to predict the impact of this variant on C5 protein function. In summary, the available evidence is currently insufficient to determine the role of this variant in disease. Therefore, it has been classified as a Variant of Uncertain Significance.

Fulgent Genetics
Classification: Uncertain significance for Complement component 5 deficiency; Eculizumab, poor response to. Last evaluated: 2021-12-30. Review status: criteria provided, single submitter. Criteria: ACMG Guidelines, 2015. Collection method: clinical testing. Allele origin: unknown.